The following is an entry in ClinVar:

NM_032447.5(FBN3):c.397dup (p.Ala133fs)

Gene: FBN3 (fibrillin 3; minus strand). Cytogenetic location: 19p13.2.
Variant type: Duplication.
Coding change: c.397dup on transcript NM_032447.5 (MANE Select); coding-DNA position 397, one base duplicated (G; older notation c.397dupG).
Protein change: p.Ala133fs; shifts the reading frame from alanine 133.
Molecular consequence: frameshift variant.
Genome position (GRCh38, 1-based): chr19:8,145,891, C duplicated on the plus strand (G on the coding strand, the reverse complement: FBN3 is on the minus strand); the first of 6 consecutive C bases (chr19:8,145,891-8,145,896); duplicating any one gives the same sequence. VCF-style (leftmost placement, unchanged base first): chr19-8145890-G-GC. GRCh37 (hg19) VCF-style: chr19-8210774-G-GC.
Other names: c.397dup, p.Ala133fs (NM_001321431.2); short protein forms A133fs.
Identifiers: ClinVar variation 1970573 (VCV001970573.5), dbSNP rs1224407328, ClinGen allele CA645608601.
Genomic context (GRCh38, chr19:8,145,890, plus strand): 5'-TGGGGATACTCACGCTGCCCACACACGGTGCCTGTGTAGCCCTTCTGACACAGACAGGAC[G>GC]CCCCCCGGCAGGTGCCCCCATTCATACAGCTCACACTGCACCCTGACCCTGGGGACAGGA-3'

ClinVar aggregate classification (germline): Uncertain significance (1 of 4 stars; one submission).

Submission:

Labcorp Genetics (formerly Invitae), Labcorp
Classification: Uncertain significance. Last evaluated: 2025-08-11. Review status: criteria provided, single submitter. Criteria: Invitae Variant Classification Sherloc (09022015). Collection method: clinical testing. Allele origin: germline.
Comment: This sequence change creates a premature translational stop signal (p.Ala133Glyfs*20) in the FBN3 gene. It is expected to result in an absent or disrupted protein product. However, the current clinical and genetic evidence is not sufficient to establish whether loss-of-function variants in FBN3 cause disease. This variant is not present in population databases (gnomAD no frequency). This variant has not been reported in the literature in individuals affected with FBN3-related conditions. ClinVar contains an entry for this variant (Variation ID: 1970573). Algorithms developed to predict the effect of sequence changes on RNA splicing suggest that this variant may disrupt the consensus splice site. In summary, the available evidence is currently insufficient to determine the role of this variant in disease. Therefore, it has been classified as a Variant of Uncertain Significance.